The following is an entry in ClinVar:

ClinVar aggregate classification (germline): Likely pathogenic (1 of 4 stars; one submission).

Conditions:
Pyridoxine-dependent epilepsy (EPEO4). Also called: Pyridoxine-Dependent Seizures; EPILEPSY, EARLY-ONSET, 4, VITAMIN B6-DEPENDENT; PYRIDOXINE DEPENDENCY WITH SEIZURES; Pyridoxine-Dependent Epilepsy - ALDH7A1. Identifiers: Orphanet 3006, MedGen C1849508, MONDO:0009945, OMIM 266100. Disease mechanism: loss of function.

Submission:

Institute for Clinical Genetics, University Hospital TU Dresden, University Hospital TU Dresden
Classification: Likely pathogenic for Pyridoxine-dependent epilepsy. Last evaluated: 2024-03-15. Review status: criteria provided, single submitter. Criteria: ACMG Guidelines, 2015. Collection method: clinical testing. Allele origin: germline. Affected: yes.
Comment: The homozygous missense variant in the ALDH7A1 gene (NM_001182.5:c.686C>A, p.(Ala229Asp)) leads to an amino acid exchange at position 229 in the corresponding protein due to a base exchange at position 686 of the cDNA. Bioinformatic prediction algorithms do not indicate a generally increased sensitivity of the gene to missense variants (Z-score 0.94, PMID: 27535533), but estimate the effect of the variant on protein function as deleterious (REVEL score 0.93, PMID: 27666373). An actual effect has not yet been functionally investigated. The variant has not yet been classified in the ClinVar database. In the population database gnomAD v4.1.0, the variant has not yet been found in healthy individuals. The phenotypic abnormalities of the index person (B6-responsive epilepsy, increased concentrations of a-aminoadipine semialdehyde (a-AASA) in urine and plasma, as well as pipecolic acid in plasma) are highly specific for an ALDH7A1-associated disease. According to current ACMG recommendations for variant assessment (PMID 25741868), the criteria PM2_SUP, PM3_SUP, PP3_MOD and PP4_STR are fulfilled, resulting in an assessment as a probable pathogenic variant (ACMG class 4).

NM_001182.5(ALDH7A1):c.686C>A (p.Ala229Asp)

Gene: ALDH7A1 (aldehyde dehydrogenase 7 family member A1; minus strand). Cytogenetic location: 5q23.2.
Variant type: single nucleotide variant.
Coding change: c.686C>A on transcript NM_001182.5 (MANE Select); coding-DNA position 686, C replaced by A.
Protein change: p.Ala229Asp; replaces alanine 229 with aspartic acid.
Molecular consequence: missense variant.
Genome position (GRCh38, 1-based): chr5:126,575,429, G>T on the plus strand (C>A on the coding strand, the complement: ALDH7A1 is on the minus strand). VCF-style: chr5-126575429-G-T. GRCh37 (hg19) VCF-style: chr5-125911121-G-T.
Other names: c.602C>A, p.Ala201Asp (NM_001201377.2); c.686C>A, p.Ala229Asp (NM_001202404.2); short protein forms A201D, A229D.
Identifiers: ClinVar variation 4850091 (VCV004850091.1).
Genomic context (GRCh38, chr5:126,575,429, plus strand): 5'-CCCTTTCAATATTATTCCATACCCAGGAAAAAGAAAGCCACATGTACTTACTTTGTGACA[G>T]CCACACTAATGAGGGAAGTGGTTGGAGCTCCTTTCCTTAAGAAGGTTAAAACAAAAAAAG-3'
Protein context (NP_001173.2, residues 219-239): GAPTTSLISV[Ala229Asp]VTKIIAKVLE